The following is an entry in ClinVar:

ClinVar aggregate classification (germline): Likely benign (1 of 4 stars; one submission).

Allele frequency attached by ClinVar (database versions not stated): gnomAD exomes 0.00144; ExAC 0.00176; gnomAD 0.00196; 1000 Genomes Project 0.00599.

Submission:

CeGaT Center for Human Genetics Tuebingen
Classification: Likely benign. Last evaluated: 2024-03-01. Review status: criteria provided, single submitter. Criteria: CeGaT Center For Human Genetics Tuebingen Variant Classification Criteria Version 2. Collection method: clinical testing. Allele origin: germline. Affected: yes. Observed: 1 variant allele.
Comment: BAIAP2L2: BP4, BP7, BS2

NM_025045.6(BAIAP2L2):c.1218C>A (p.Ser406=)

Gene: BAIAP2L2 (BAR/IMD domain containing adaptor protein 2 like 2; minus strand). Cytogenetic location: 22q13.1.
Variant type: single nucleotide variant.
Coding change: c.1218C>A on transcript NM_025045.6 (MANE Select); coding-DNA position 1218, C replaced by A.
Protein change: p.Ser406=; no amino-acid change (serine 406 retained).
Molecular consequence: synonymous variant.
Genome position (GRCh38, 1-based): chr22:38,087,165, G>T on the plus strand (C>A on the coding strand, the complement: BAIAP2L2 is on the minus strand). VCF-style: chr22-38087165-G-T. GRCh37 (hg19) VCF-style: chr22-38483172-G-T.
Identifiers: ClinVar variation 3234138 (VCV003234138.20), dbSNP rs539447143, ClinGen allele CA10229997.
Genomic context (GRCh38, chr22:38,087,165, plus strand): 5'-CCCCTGATGACTCAGGTACCTGGAAGGCAGCTCGTTCCCGGGGTTCATGGGTGTCATGGG[G>T]GACATGGAGGTCATGGAGGTCATGGGGGTCACGGGGGTCATGGGATTCACGGGCCCCTCC-3'
Protein context (NP_079321.3, residues 396-416): VTPMTSMTSM[Ser406=]PMTPMNPGNE